The following is an entry in ClinVar:

NM_018975.4(TERF2IP):c.631C>T (p.Arg211Trp)

Gene: TERF2IP (TERF2 interacting protein; plus strand). Cytogenetic location: 16q23.1.
Variant type: single nucleotide variant.
Coding change: c.631C>T on transcript NM_018975.4 (MANE Select); coding-DNA position 631, C replaced by T.
Protein change: p.Arg211Trp; replaces arginine 211 with tryptophan.
Molecular consequence: missense variant. On other transcripts: non-coding transcript variant (1).
Genome position (GRCh38, 1-based): chr16:75,648,513, C>T. VCF-style: chr16-75648513-C-T. GRCh37 (hg19) VCF-style: chr16-75682411-C-T.
Other names: short protein forms R211W.
Identifiers: ClinVar variation 1752830 (VCV001752830.2), dbSNP rs2507075274, ClinGen allele CA396818324.

ClinVar aggregate classification (germline): Uncertain significance (1 of 4 stars; one submission).

Submission:

Ambry Genetics
Classification: Uncertain significance. Last evaluated: 2022-10-08. Review status: criteria provided, single submitter. Criteria: Ambry Variant Classification Scheme 2023. Collection method: clinical testing. Allele origin: germline.
Comment: The p.R211W variant (also known as c.631C>T), located in coding exon 1 of the TERF2IP gene, results from a C to T substitution at nucleotide position 631. The arginine at codon 211 is replaced by tryptophan, an amino acid with dissimilar properties. This amino acid position is conserved. In addition, this alteration is predicted to be tolerated by in silico analysis. Since supporting evidence is limited at this time, the clinical significance of this alteration remains unclear.